The following is an entry in ClinVar:

ClinVar aggregate classification (germline): Uncertain significance (1 of 4 stars; one submission).

gnomAD v4.1: 20 of 1,614,156 alleles (0.0012%); highest among the groups gnomAD compares: East Asian, 0.018%; no homozygotes.

Submission:

Women's Health and Genetics/Laboratory Corporation of America, LabCorp
Classification: Uncertain significance. Last evaluated: 2025-06-05. Review status: criteria provided, single submitter. Criteria: LabCorp Variant Classification Summary - May 2015. Collection method: clinical testing. Allele origin: germline.
Comment: Variant summary: DGAT2 c.920T>C (p.Ile307Thr) results in a non-conservative amino acid change in the encoded protein sequence. Algorithms developed to predict the effect of missense changes on protein structure and function are either unavailable or do not agree on the potential impact of this missense change. The variant allele was found at a frequency of 2.8e-05 in 251398 control chromosomes. The available data on variant occurrences in the general population are insufficient to allow any conclusion about variant significance. c.920T>C has been observed in individual(s) affected with extremely obesity (Friedel_2007). These report(s) do not provide unequivocal conclusions about association of the variant with Autosomal dominant charcot-marie-tooth disease type 2 due to DGAT2 mutation. To our knowledge, no experimental evidence demonstrating an impact on protein function has been reported. The following publication has been ascertained in the context of this evaluation (PMID: 17477860). No submitters have cited clinical-significance assessments for this variant to ClinVar. Based on the evidence outlined above, the variant was classified as uncertain significance.

Literature cited by the submitters: PubMed 17477860.

NM_032564.5(DGAT2):c.920T>C (p.Ile307Thr)

Gene: DGAT2 (diacylglycerol O-acyltransferase 2; plus strand). Cytogenetic location: 11q13.5.
Variant type: single nucleotide variant.
Coding change: c.920T>C on transcript NM_032564.5 (MANE Select); coding-DNA position 920, T replaced by C.
Protein change: p.Ile307Thr; replaces isoleucine 307 with threonine.
Molecular consequence: missense variant.
Genome position (GRCh38, 1-based): chr11:75,798,337, T>C. VCF-style: chr11-75798337-T-C. GRCh37 (hg19) VCF-style: chr11-75509382-T-C.
Other names: c.791T>C, p.Ile264Thr (NM_001253891.2); short protein forms I264T, I307T.
Identifiers: ClinVar variation 3907373 (VCV003907373.1).